The following is an entry in ClinVar:

NM_175914.5(HNF4A):c.224+17dup

Gene: HNF4A (hepatocyte nuclear factor 4 alpha; plus strand). Cytogenetic location: 20q13.12.
Variant type: Duplication.
Coding change: c.224+17dup on transcript NM_175914.5 (MANE Select); 17 bases into the intron after coding-DNA position 224, one base duplicated (T; older notation c.224+17dupT).
Molecular consequence: intron variant.
Genome position (GRCh38, 1-based): chr20:44,406,249, T duplicated; the last of 3 consecutive T bases (chr20:44,406,247-44,406,249); duplicating any one gives the same sequence. VCF-style (leftmost placement, unchanged base first): chr20-44406246-A-AT. GRCh37 (hg19) VCF-style: chr20-43034886-A-AT.
Other names: c.224+17dupT (NM_175914.4); c.215+17dup (NM_001287182.2, NM_001287183.2, NM_001287184.2); c.224+17dup (NM_001030003.3, NM_001030004.3); c.269+17dup (NM_001258355.2); c.290+17dup (NM_178849.3, NM_000457.6, NM_178850.3).
Identifiers: ClinVar variation 338425 (VCV000338425.20), dbSNP rs371937621, ClinGen allele CA9870185.

ClinVar aggregate classification (germline): Benign. Review status: reviewed by expert panel (3 of 4 stars). 8 submissions from 8 submitters: Benign (1). 7 of the submissions do not count toward it. Last evaluated 2023-05-27.

Conditions:
Monogenic diabetes. Identifiers: Orphanet 183625, MedGen C3888631, MONDO:0015967.
Maturity-onset diabetes of the young (MODY). Also called: Maturity onset diabetes mellitus in young. Identifiers: Orphanet 552, MedGen C0342276, MONDO:0018911, HP:0004904.

Submissions (8):

ClinGen Monogenic Diabetes Variant Curation Expert Panel
Classification: Benign for Monogenic diabetes. Last evaluated: 2023-05-27. Review status: reviewed by expert panel. Criteria: MDEP HNF4A Specificiations 1.0.0. Collection method: curation. Allele origin: germline. Inheritance: Autosomal dominant inheritance.
Comment: The c.224+17dupT variant in the HNF4 homeobox A gene, HNF4A has a Popmax Filtering allele frequency in gnomAD 2.1.1 of 0.0008603, which is greater than the MDEP threshold for BA1 (0.0001) (BA1). The computational splicing predictor SpliceAI gives a score of 0.0 for donor gain, suggesting that the variant has no impact on splicing (BP4). This variant was identified in an individual with diabetes; however, the calculated MODY probability is <50%, and PP4 is not met (internal lab contributors). This variant was also identified in a patient with an alternate molecular basis for disease (BP5; internal lab contributors). In summary, c.224+17dupT meets the criteria to be classified as benign for monogenic diabetes. ACMG/AMP criteria applied, as specified by the ClinGen MDEP (specification version 1.0, approved 11/16/2022): BA1, BP4, BP5.

Labcorp Genetics (formerly Invitae), Labcorp
Classification: Benign. Last evaluated: 2026-01-21. Review status: criteria provided, single submitter. Criteria: Invitae Variant Classification Sherloc (09022015). Collection method: clinical testing. Allele origin: germline. Not counted in ClinVar's aggregate classification.

Blueprint Genetics
Classification: Likely benign. Last evaluated: 2024-11-26. Review status: criteria provided, single submitter. Criteria: ACMG Guidelines, 2015. Collection method: clinical testing. Allele origin: germline. Not counted in ClinVar's aggregate classification.

Athena Diagnostics
Classification: Benign. Last evaluated: 2024-11-13. Review status: criteria provided, single submitter. Criteria: Athena Diagnostics Criteria. Collection method: clinical testing. Allele origin: unknown. Not counted in ClinVar's aggregate classification.

ARUP Laboratories, Molecular Genetics and Genomics, ARUP Laboratories
Classification: Benign. Last evaluated: 2023-09-12. Review status: criteria provided, single submitter. Criteria: ARUP Molecular Germline Variant Investigation Process 2024. Collection method: clinical testing. Allele origin: germline. Not counted in ClinVar's aggregate classification.

Women's Health and Genetics/Laboratory Corporation of America, LabCorp
Classification: Benign. Last evaluated: 2020-10-23. Review status: criteria provided, single submitter. Criteria: LabCorp Variant Classification Summary - May 2015. Collection method: clinical testing. Allele origin: germline. Not counted in ClinVar's aggregate classification.
Comment: Variant summary: HNF4A c.224+17dupT alters a nucleotide located close to a canonical splice site and therefore could affect mRNA splicing, leading to a significantly altered protein sequence. The variant allele was found at a frequency of 0.0019 in 245602 control chromosomes in the gnomAD database, including 2 homozygotes. The observed variant frequency is approximately 603.25 fold of the estimated maximal expected allele frequency for a pathogenic variant in HNF4A causing Maturity Onset Diabetes Of The Young 1/Neonatal Diabetes Mellitus phenotype (3.1e-06), strongly suggesting that the variant is benign. To our knowledge, no occurrence of c.224+17dupT in individuals affected with Maturity Onset Diabetes Of The Young 1/Neonatal Diabetes Mellitus and no experimental evidence demonstrating its impact on protein function have been reported. Three clinical diagnostic laboratories have submitted clinical-significance assessments for this variant to ClinVar after 2014 without evidence for independent evaluation. Based on the evidence outlined above, the variant was classified as benign.

GeneDx
Classification: Likely benign. Last evaluated: 2018-03-16. Review status: criteria provided, single submitter. Criteria: GeneDx Variant Classification (06012015). Collection method: clinical testing. Allele origin: germline. Affected: yes. Not counted in ClinVar's aggregate classification.
Comment: This variant is considered likely benign or benign based on one or more of the following criteria: it is a conservative change, it occurs at a poorly conserved position in the protein, it is predicted to be benign by multiple in silico algorithms, and/or has population frequency not consistent with disease.

Clinical Genomics, Uppaluri K&H Personalized Medicine Clinic
Classification: Uncertain significance for Maturity-onset diabetes of the young. Review status: criteria provided, single submitter. Criteria: K & H Uppaluri Personalized Medicine Clinic Variant Classification & Assertion Criteria_Updated V.1. Collection method: research. Allele origin: unknown. Inheritance: Autosomal dominant inheritance. Not counted in ClinVar's aggregate classification.
Comment: Potent mutations in HNF4A are associated with poor insulin secretion in response to hyperglycemia. Associated with MODY1. Patients initially respond well to sulfonylureas but eventually become insulin dependent. However, more evidence is required to ascertain the role of this particular variant rs371937621 in MODY, yet.

Literature cited by the submitters: DOI 10.1159/000334532 (cited by Clinical Genomics, Uppaluri K&H Personalized Medicine Clinic); PubMed 18268044 (cited by Clinical Genomics, Uppaluri K&H Personalized Medicine Clinic); PubMed 17563455 (cited by Clinical Genomics, Uppaluri K&H Personalized Medicine Clinic); PubMed 32583173 (cited by Clinical Genomics, Uppaluri K&H Personalized Medicine Clinic); PubMed 35052457 (cited by Clinical Genomics, Uppaluri K&H Personalized Medicine Clinic); PubMed 35118593 (cited by Clinical Genomics, Uppaluri K&H Personalized Medicine Clinic).